The following is an entry in ClinVar:

ClinVar aggregate classification (germline): Uncertain significance (1 of 4 stars; one submission).

gnomAD v4.1: 2 of 1,581,220 alleles (0.00013%); highest among the groups gnomAD compares: Non-Finnish European, 0.00017%; no homozygotes.

Submission:

Ambry Genetics
Classification: Uncertain significance. Last evaluated: 2025-06-28. Review status: criteria provided, single submitter. Criteria: Ambry Variant Classification Scheme 2023. Collection method: clinical testing. Allele origin: germline.
Comment: The p.C227Y variant (also known as c.680G>A), located in coding exon 7 of the SLMAP gene, results from a G to A substitution at nucleotide position 680. The cysteine at codon 227 is replaced by tyrosine, an amino acid with highly dissimilar properties. This amino acid position is conserved. In addition, this alteration is predicted to be tolerated by in silico analysis. Based on the available evidence, the clinical significance of this variant remains unclear.

NM_001377540.1(SLMAP):c.680G>A (p.Cys227Tyr)

Gene: SLMAP (sarcolemma associated protein; plus strand). Cytogenetic location: 3p14.3.
Variant type: single nucleotide variant.
Coding change: c.680G>A on transcript NM_001377540.1 (MANE Select); coding-DNA position 680, G replaced by A.
Protein change: p.Cys227Tyr; replaces cysteine 227 with tyrosine.
Molecular consequence: missense variant. On other transcripts: non-coding transcript variant (1).
Genome position (GRCh38, 1-based): chr3:57,858,152, G>A. VCF-style: chr3-57858152-G-A. GRCh37 (hg19) VCF-style: chr3-57843879-G-A.
Other names: c.680G>A, p.Cys227Tyr (NM_001304420.3, NM_001304421.2, NM_001377555.1 and 17 more transcripts); short protein forms C227Y.
Identifiers: ClinVar variation 4169927 (VCV004169927.1).